The following is an entry in ClinVar:

ClinVar aggregate classification (germline): Uncertain significance (1 of 4 stars; one submission).

Submission:

GeneDx
Classification: Uncertain significance. Last evaluated: 2024-10-31. Review status: criteria provided, single submitter. Criteria: GeneDx Variant Classification Process June 2021. Collection method: clinical testing. Allele origin: germline. Affected: yes.
Comment: Not observed at significant frequency in large population cohorts (gnomAD); In silico analysis indicates that this missense variant does not alter protein structure/function; Has not been previously published as pathogenic or benign to our knowledge

NM_001370785.2(LRRC7):c.1100T>C (p.Val367Ala)

Gene: LRRC7 (leucine rich repeat containing 7; plus strand). Cytogenetic location: 1p31.1.
Variant type: single nucleotide variant.
Coding change: c.1100T>C on transcript NM_001370785.2 (MANE Select); coding-DNA position 1100, T replaced by C.
Protein change: p.Val367Ala; replaces valine 367 with alanine.
Molecular consequence: missense variant.
Genome position (GRCh38, 1-based): chr1:70,011,892, T>C. VCF-style: chr1-70011892-T-C. GRCh37 (hg19) VCF-style: chr1-70477575-T-C.
Other names: NM_020794.2:c.986T>C; c.1001T>C, p.Val334Ala (NM_001330635.3, NM_001366839.3, NM_001366841.1); c.1103T>C, p.Val368Ala (NM_001350216.3); c.1100T>C, p.Val367Ala (NM_001366838.3); short protein forms V334A, V367A, V368A.
Identifiers: ClinVar variation 3897519 (VCV003897519.1).